The following is an entry in ClinVar:

ClinVar aggregate classification (germline): Uncertain significance (1 of 4 stars; one submission).

Conditions:
Hereditary nonpolyposis colorectal neoplasms. Identifiers: MedGen C0009405, MeSH D003123.

Submission:

Labcorp Genetics (formerly Invitae), Labcorp
Classification: Uncertain significance for Hereditary nonpolyposis colorectal neoplasms. Last evaluated: 2021-08-12. Review status: criteria provided, single submitter. Criteria: Invitae Variant Classification Sherloc (09022015). Collection method: clinical testing. Allele origin: germline.
Comment: This variant results in a copy number gain of the genomic region encompassing exon(s) 1-5 of the EPCAM gene. This region includes the initiator codon of the gene. This copy number gain extends beyond the assayed region for this gene and therefore may encompass additional genes. As the precise location of this event is unknown, it may be in tandem or it may be located elsewhere in the genome. This variant has not been reported in the literature in individuals affected with EPCAM-related conditions. In summary, the available evidence is currently insufficient to determine the role of this variant in disease. Therefore, it has been classified as a Variant of Uncertain Significance.

NC_000002.11:g.(?_47596645)_(47604226_?)dup

Gene: EPCAM (epithelial cell adhesion molecule; plus strand). Cytogenetic location: 2p21.
Variant type: Duplication.
Identifiers: ClinVar variation 1024277 (VCV001024277.2).